The following is an entry in ClinVar:

ClinVar aggregate classification (germline): Uncertain significance (1 of 4 stars; one submission).

Allele frequency attached by ClinVar (database versions not stated): ExAC 0.00001.

Submission:

GeneDx
Classification: Uncertain significance. Last evaluated: 2021-04-08. Review status: criteria provided, single submitter. Criteria: GeneDx Variant Classification Process June 2021. Collection method: clinical testing. Allele origin: germline. Affected: yes.
Comment: Not observed in large population cohorts (Lek et al., 2016); In silico analysis supports that this missense variant has a deleterious effect on protein structure/function; Has not been previously published as pathogenic or benign to our knowledge

NM_032119.4(ADGRV1):c.6430G>A (p.Gly2144Arg)

Gene: ADGRV1 (adhesion G protein-coupled receptor V1; plus strand). Cytogenetic location: 5q14.3.
Variant type: single nucleotide variant.
Coding change: c.6430G>A on transcript NM_032119.4 (MANE Select); coding-DNA position 6430, G replaced by A.
Protein change: p.Gly2144Arg; replaces glycine 2144 with arginine.
Molecular consequence: missense variant. On other transcripts: non-coding transcript variant (1).
Genome position (GRCh38, 1-based): chr5:90,685,935, G>A. VCF-style: chr5-90685935-G-A. GRCh37 (hg19) VCF-style: chr5-89981752-G-A.
Other names: short protein forms G2144R.
Identifiers: ClinVar variation 1318783 (VCV001318783.2), dbSNP rs763797232, ClinGen allele CA3339779.
Genomic context (GRCh38, chr5:90,685,935, plus strand): 5'-GCACCAATTGTCCGAGTGGCAGAAAATCATGTTGGACCCATTATCAATGTGACTAGAACA[G>A]GAGGAGCATTTGCAGATGTCTCTGTGAAGTTTAAAGCTGTGCCAATAACTGCAATAGCTG-3'
Protein context (NP_115495.3, residues 2134-2154): VGPIINVTRT[Gly2144Arg]GAFADVSVKF